The following is an entry in ClinVar:

NM_000875.5(IGF1R):c.664C>T (p.Arg222Trp)

Gene: IGF1R (insulin like growth factor 1 receptor; plus strand). Cytogenetic location: 15q26.3.
Variant type: single nucleotide variant.
Coding change: c.664C>T on transcript NM_000875.5 (MANE Select); coding-DNA position 664, C replaced by T.
Protein change: p.Arg222Trp; replaces arginine 222 with tryptophan.
Molecular consequence: missense variant.
Genome position (GRCh38, 1-based): chr15:98,891,348, C>T. VCF-style: chr15-98891348-C-T. GRCh37 (hg19) VCF-style: chr15-99434577-C-T.
Other names: c.664C>T, p.Arg222Trp (NM_001291858.2); short protein forms R222W.
Identifiers: ClinVar variation 5005494 (VCV005005494.2).
Genomic context (GRCh38, chr15:98,891,348, plus strand): 5'-GCCCGGTCTCATCTCCGTCTCTCCTCTCTCTCCACAGTGTGCCCAAGCACGTGTGGGAAG[C>T]GGGCGTGCACCGAGAACAATGAGTGCTGCCACCCCGAGTGCCTGGGCAGCTGCAGCGCGC-3'
Protein context (NP_000866.1, residues 212-232): QKMCPSTCGK[Arg222Trp]ACTENNECCH

ClinVar aggregate classification (germline): Uncertain significance (1 of 4 stars; one submission).

Conditions:
Growth delay due to insulin-like growth factor I resistance. Also called: Somatomedin end-organ insensitivity to; Somatomedin-c resistance to; IGF-1 resistance; IGF-I RESISTANCE; Insulin-Like Growth Factor I Resistance. Identifiers: Orphanet 73273, MedGen C1849157, MONDO:0010038, OMIM 270450.

gnomAD v4.1: 37 of 1,606,924 alleles (0.0023%); highest among the groups gnomAD compares: East Asian, 0.054%; no homozygotes.

Submission:

Juno Genomics, Hangzhou Juno Genomics, Inc
Classification: Uncertain significance for Growth delay due to insulin-like growth factor I resistance. Review status: criteria provided, single submitter. Criteria: ACMG Guidelines, 2015. Collection method: clinical testing. Allele origin: germline.
Comment: Missense variant in a gene that has a low rate of benign missense variation.;Multiple lines of computational evidence support a deleterious effect on the gene or gene product.;Absent from controls (or at extremely low frequency if recessive) in Genome Aggregation Database.